The following is an entry in ClinVar:

NM_006031.6(PCNT):c.4177G>A (p.Gly1393Arg)

Gene: PCNT (pericentrin; plus strand). Cytogenetic location: 21q22.3.
Variant type: single nucleotide variant.
Coding change: c.4177G>A on transcript NM_006031.6 (MANE Select); coding-DNA position 4177, G replaced by A.
Protein change: p.Gly1393Arg; replaces glycine 1393 with arginine.
Molecular consequence: missense variant.
Genome position (GRCh38, 1-based): chr21:46,391,337, G>A. VCF-style: chr21-46391337-G-A. GRCh37 (hg19) VCF-style: chr21-47811252-G-A.
Other names: c.3823G>A, p.Gly1275Arg (NM_001315529.2); c.4177G>A (NM_006031.5); short protein forms G1275R, G1393R.
Identifiers: ClinVar variation 1401507 (VCV001401507.4), dbSNP rs753662756, ClinGen allele CA322031205.

ClinVar aggregate classification (germline): Uncertain significance. Review status: criteria provided, multiple submitters, no conflicts (2 of 4 stars). 2 submissions from 2 submitters: Uncertain significance (2). Last evaluated 2025-11-05.

Conditions:
Inborn genetic diseases. Identifiers: MedGen C0950123, MeSH D030342.

gnomAD v4.1: 5 of 1,556,722 alleles (0.00032%); highest among the groups gnomAD compares: African/African-American, 0.0041%; no homozygotes.

Submissions (2):

Ambry Genetics
Classification: Uncertain significance for Inborn genetic diseases. Last evaluated: 2025-11-05. Review status: criteria provided, single submitter. Criteria: Ambry Variant Classification Scheme 2023. Collection method: clinical testing. Allele origin: germline.

Labcorp Genetics (formerly Invitae), Labcorp
Classification: Uncertain significance. Last evaluated: 2022-06-27. Review status: criteria provided, single submitter. Criteria: Invitae Variant Classification Sherloc (09022015). Collection method: clinical testing. Allele origin: germline.
Comment: This sequence change replaces glycine, which is neutral and non-polar, with arginine, which is basic and polar, at codon 1393 of the PCNT protein (p.Gly1393Arg). This variant is not present in population databases (gnomAD no frequency). This variant has not been reported in the literature in individuals affected with PCNT-related conditions. Algorithms developed to predict the effect of missense changes on protein structure and function output the following: SIFT: "Tolerated"; PolyPhen-2: "Benign"; Align-GVGD: "Class C0". The arginine amino acid residue is found in multiple mammalian species, which suggests that this missense change does not adversely affect protein function. In summary, the available evidence is currently insufficient to determine the role of this variant in disease. Therefore, it has been classified as a Variant of Uncertain Significance.